The following is an entry in ClinVar:

NM_001166108.2(PALLD):c.2441C>T (p.Thr814Ile)

Genes: CBR4 (carbonyl reductase 4; minus strand), PALLD (palladin, cytoskeletal associated protein; plus strand). Cytogenetic location: 4q32.3.
Variant type: single nucleotide variant.
Coding change: c.2441C>T on transcript NM_001166108.2 (MANE Select); coding-DNA position 2441, C replaced by T.
Protein change: p.Thr814Ile; replaces threonine 814 with isoleucine.
Molecular consequence: missense variant.
Genome position (GRCh38, 1-based): chr4:168,898,683, C>T. VCF-style: chr4-168898683-C-T. GRCh37 (hg19) VCF-style: chr4-169819834-C-T.
Other names: c.1244C>T, p.Thr415Ile (NM_001166109.2); c.929C>T, p.Thr310Ile (NM_001166110.2); c.269C>T, p.Thr90Ile (NM_001367567.1, NM_001367569.1); c.320C>T, p.Thr107Ile (NM_001367568.1, NM_001367570.1); c.2390C>T, p.Thr797Ile (NM_016081.4); short protein forms T310I, T415I, T814I, T107I, T90I, T797I.
Identifiers: ClinVar variation 3413597 (VCV003413597.1).

ClinVar aggregate classification (germline): Uncertain significance (1 of 4 stars; one submission).

Submission:

Ambry Genetics
Classification: Uncertain significance. Last evaluated: 2024-08-19. Review status: criteria provided, single submitter. Criteria: Ambry Variant Classification Scheme 2023. Collection method: clinical testing. Allele origin: germline.
Comment: The p.T797I variant (also known as c.2390C>T), located in coding exon 12 of the PALLD gene, results from a C to T substitution at nucleotide position 2390. The threonine at codon 797 is replaced by isoleucine, an amino acid with similar properties. This amino acid position is conserved. In addition, this alteration is predicted to be tolerated by in silico analysis. Based on the available evidence, the clinical significance of this variant remains unclear.